The following is an entry in ClinVar:

NM_001845.6(COL4A1):c.3770G>A (p.Gly1257Glu)

Gene: COL4A1 (collagen type IV alpha 1 chain; minus strand). Cytogenetic location: 13q34.
Variant type: single nucleotide variant.
Coding change: c.3770G>A on transcript NM_001845.6 (MANE Select); coding-DNA position 3770, G replaced by A.
Protein change: p.Gly1257Glu; replaces glycine 1257 with glutamic acid.
Molecular consequence: missense variant.
Genome position (GRCh38, 1-based): chr13:110,169,735, C>T on the plus strand (G>A on the coding strand, the complement: COL4A1 is on the minus strand). VCF-style: chr13-110169735-C-T. GRCh37 (hg19) VCF-style: chr13-110822082-C-T.
Other names: short protein forms G1257E.
Identifiers: ClinVar variation 1027965 (VCV001027965.7), dbSNP rs1877518903, ClinGen allele CA388661988.

ClinVar aggregate classification (germline): Likely pathogenic. Review status: criteria provided, multiple submitters, no conflicts (2 of 4 stars). 4 submissions from 4 submitters: Likely pathogenic (4). Last evaluated 2026-09-11.

Conditions:
Brain small vessel disease 1 with or without ocular anomalies (BSVD1). Also called: BRAIN SMALL VESSEL DISEASE WITH HEMORRHAGE; Brain small vessel disease with or without ocular anomalies; GOULD SYNDROME 1; PORENCEPHALY, TYPE 1, AUTOSOMAL DOMINANT. Identifiers: Orphanet 2940, Orphanet 36383, Orphanet 99810, MedGen C4755307, MONDO:0008289, OMIM 175780.
Autosomal dominant familial hematuria-retinal arteriolar tortuosity-contractures syndrome. Also called: Hereditary Angiopathy with Nephropathy, Aneurysms, and Muscle Cramps (HANAC) Syndrome; Angiopathy, hereditary, with nephropathy, aneurysms, and muscle cramps. Identifiers: Orphanet 73229, MedGen C2673195, MONDO:0012726, OMIM 611773.
Hemorrhage, intracerebral, susceptibility to (ICH). Also called: Stroke, hemorrhagic, susceptibility to. Identifiers: MedGen C3281105, MONDO:0100533, OMIM 614519.
Retinal arterial tortuosity. Also called: Retinal arteries, tortuosity of; RETINAL HEMORRHAGE WITH VASCULAR TORTUOSITY. Identifiers: Orphanet 75326, MedGen C0423401, MONDO:0008373, OMIM 180000, HP:0000631.
Microangiopathy and leukoencephalopathy, pontine, autosomal dominant. Also called: DEMENTIA, HEREDITARY MULTI-INFARCT, SWEDISH TYPE; Pontine autosomal dominant microangiopathy with leukoencephalopathy. Identifiers: Orphanet 477749, MedGen C5231411, MONDO:0032814, OMIM 618564.

Submissions (4):

Institute of Medical Genetics and Applied Genomics, University Hospital Tübingen
Classification: Likely pathogenic for Brain small vessel disease 1 with or without ocular anomalies. Last evaluated: 2026-09-11. Review status: criteria provided, single submitter. Criteria: ACMG Guidelines, 2015. Collection method: clinical testing. Allele origin: germline. Inheritance: Autosomal dominant inheritance. Affected: yes.

Institute of Human Genetics, University of Leipzig Medical Center
Classification: Likely pathogenic for Brain small vessel disease 1 with or without ocular anomalies. Last evaluated: 2024-04-23. Review status: criteria provided, single submitter. Criteria: ACMG Guidelines, 2015. Collection method: clinical testing. Allele origin: unknown. Affected: yes.
Comment: Criteria applied: PM1_STR,PS4_MOD,PM2_SUP,PP3

Baylor Genetics
Classification: Likely pathogenic for Brain small vessel disease 1 with or without ocular anomalies. Last evaluated: 2020-01-09. Review status: criteria provided, single submitter. Criteria: ACMG Guidelines, 2015. Collection method: clinical testing. Allele origin: unknown. Affected: yes.
Comment: This variant was determined to be likely pathogenic according to ACMG Guidelines, 2015 [PMID:25741868].

Juno Genomics, Hangzhou Juno Genomics, Inc
Classification: Likely pathogenic for Retinal arterial tortuosity; Hemorrhage, intracerebral, susceptibility to; Autosomal dominant familial hematuria-retinal arteriolar tortuosity-contractures syndrome; Brain small vessel disease 1 with or without ocular anomalies; Microangiopathy and leukoencephalopathy, pontine, autosomal dominant. Review status: criteria provided, single submitter. Criteria: ACMG Guidelines, 2015. Collection method: clinical testing. Allele origin: germline. Affected: yes.
Comment: Absent from controls (or at extremely low frequency if recessive) in Genome Aggregation Database, Exome Sequencing Project, 1000 Genomes Project, or Exome Aggregation Consortium.;Multiple lines of computational evidence support a deleterious effect on the gene or gene product (conservation, evolutionary, splicing impact, etc).;Missense variant in a gene that has a low rate of benign missense variation and where missense variants are a common mechanism of disease.;The prevalence of the variant in affected individuals is significantly increased compared to the prevalence in controls.;Patient's phenotype or family history is highly specific for a disease with a single genetic etiology.